The following is an entry in ClinVar:

NM_000057.4(BLM):c.3577G>A (p.Glu1193Lys)

Gene: BLM (BLM RecQ like helicase; plus strand). Cytogenetic location: 15q26.1.
Variant type: single nucleotide variant.
Coding change: c.3577G>A on transcript NM_000057.4 (MANE Select); coding-DNA position 3577, G replaced by A.
Protein change: p.Glu1193Lys; replaces glutamic acid 1193 with lysine.
Molecular consequence: missense variant. On other transcripts: intron variant (1).
Genome position (GRCh38, 1-based): chr15:90,804,185, G>A. VCF-style: chr15-90804185-G-A. GRCh37 (hg19) VCF-style: chr15-91347415-G-A.
Other names: c.3577G>A, p.Glu1193Lys (NM_001287246.2); c.2452G>A, p.Glu818Lys (NM_001287248.2); c.3359-4952G>A (NM_001287247.2); short protein forms E1193K, E818K.
Identifiers: ClinVar variation 3261047 (VCV003261047.1).

ClinVar aggregate classification (germline): Uncertain significance (1 of 4 stars; one submission).

Conditions:
Hereditary cancer-predisposing syndrome. Also called: Hereditary Cancer Syndrome; Tumor predisposition; Hereditary neoplastic syndrome; Neoplastic Syndromes, Hereditary. Identifiers: Orphanet 140162, MedGen C0027672, MeSH D009386, MONDO:0015356.

Submission:

Ambry Genetics
Classification: Uncertain significance for Hereditary cancer-predisposing syndrome. Last evaluated: 2024-05-31. Review status: criteria provided, single submitter. Criteria: Ambry Variant Classification Scheme 2023. Collection method: clinical testing. Allele origin: germline.
Comment: The p.E1193K variant (also known as c.3577G>A), located in coding exon 18 of the BLM gene, results from a G to A substitution at nucleotide position 3577. The glutamic acid at codon 1193 is replaced by lysine, an amino acid with similar properties. This amino acid position is conserved. In addition, the in silico prediction for this alteration is inconclusive. Based on the available evidence, the clinical significance of this variant remains unclear.